The following is an entry in ClinVar:

ClinVar aggregate classification (germline): Benign/Likely benign. Review status: criteria provided, multiple submitters, no conflicts (2 of 4 stars). 2 submissions from 2 submitters: Benign (1); Likely benign (1). Last evaluated 2024-09-01.

Allele frequency attached by ClinVar (database versions not stated): gnomAD exomes 0.00006 and 0.00020; ExAC 0.00026; gnomAD 0.00071 and 0.00076; TOPMed 0.00079; ESP Exome Variant Server 0.00092; 1000 Genomes Project 0.00120; 1000 Genomes Project 30x 0.00141.
gnomAD v4.1: 194 of 1,612,802 alleles (0.012%); highest among the groups gnomAD compares: African/African-American, 0.23%; no homozygotes.

Submissions (2):

CeGaT Center for Human Genetics Tuebingen
Classification: Likely benign. Last evaluated: 2024-09-01. Review status: criteria provided, single submitter. Criteria: CeGaT Center For Human Genetics Tuebingen Variant Classification Criteria Version 2. Collection method: clinical testing. Allele origin: germline. Affected: yes. Observed: 1 variant allele.
Comment: CAT: BP4, BP7

Labcorp Genetics (formerly Invitae), Labcorp
Classification: Benign. Last evaluated: 2018-07-23. Review status: criteria provided, single submitter. Criteria: Invitae Variant Classification Sherloc (09022015). Collection method: clinical testing. Allele origin: germline.

NM_001752.4(CAT):c.555C>T (p.Phe185=)

Gene: CAT (catalase; plus strand). Cytogenetic location: 11p13.
Variant type: single nucleotide variant.
Coding change: c.555C>T on transcript NM_001752.4 (MANE Select); coding-DNA position 555, C replaced by T.
Protein change: p.Phe185=; no amino-acid change (phenylalanine 185 retained).
Molecular consequence: synonymous variant.
Genome position (GRCh38, 1-based): chr11:34,453,164, C>T. VCF-style: chr11-34453164-C-T. GRCh37 (hg19) VCF-style: chr11-34474711-C-T.
Identifiers: ClinVar variation 716208 (VCV000716208.17), dbSNP rs140390355, ClinGen allele CA5944350.
Genomic context (GRCh38, chr11:34,453,164, plus strand): 5'-CCACAGCCAAAAGAGAAATCCTCAGACACATCTGAAGGATCCGGACATGGTCTGGGACTT[C>T]TGGAGCCTACGTCCTGAGTCTCTGCATCAGGTATGAACCCTTTTTTGCCATTGTATTATA-3'
Protein context (NP_001743.1, residues 175-195): HLKDPDMVWD[Phe185=]WSLRPESLHQ